The following is an entry in ClinVar:

ClinVar aggregate classification (germline): no classifications from unflagged records (0 of 4 stars; one submission).

Allele frequency attached by ClinVar (database versions not stated): gnomAD exomes below 0.00001.

Submission:

AiLife Diagnostics
Classification: Likely pathogenic. Last evaluated: 2022-02-22. Review status: flagged submission. Criteria: ACMG Guidelines, 2015. Collection method: clinical testing. Allele origin: germline. Affected: yes. Observed: 1 variant allele.
ClinVar note: Notes: This variant occurs in exons 9-41 of the MANE Select NM_006073.4 transcript but no valid P/LP variants have been reported due to the predominant transcript in cardiac tissue being one with only 8 exons (NM_001256021.1). Please provide evidence to support this claim.
ClinVar note: Reason: Claim with insufficient supporting evidence

NM_006073.4(TRDN):c.1964dup (p.Arg656fs)

Gene: TRDN (triadin; minus strand). Cytogenetic location: 6q22.31.
Variant type: Duplication.
Coding change: c.1964dup on transcript NM_006073.4 (MANE Select); coding-DNA position 1964, one base duplicated (C; older notation c.1964dupC).
Protein change: p.Arg656fs; shifts the reading frame from arginine 656.
Molecular consequence: frameshift variant.
Genome position (GRCh38, 1-based): chr6:123,252,423, G duplicated on the plus strand (C on the coding strand, the reverse complement: TRDN is on the minus strand). VCF-style (leftmost placement, unchanged base first): chr6-123252422-T-TG. GRCh37 (hg19) VCF-style: chr6-123573567-T-TG.
Other names: short protein forms R656fs.
Identifiers: ClinVar variation 1678167 (VCV001678167.1), dbSNP rs751900486, ClinGen allele CA3983670.